The following is an entry in ClinVar:

ClinVar aggregate classification (germline): Uncertain significance. Review status: criteria provided, multiple submitters, no conflicts (2 of 4 stars). 2 submissions from 2 submitters: Uncertain significance (2). Last evaluated 2026-02-01.

Submissions (2):

CeGaT Center for Human Genetics Tuebingen
Classification: Uncertain significance. Last evaluated: 2026-02-01. Review status: criteria provided, single submitter. Criteria: CeGaT Center For Human Genetics Tuebingen Variant Classification Criteria Version 2. Collection method: clinical testing. Allele origin: germline. Affected: yes. Observed: 1 variant allele.
Comment: AHDC1: PM2

Labcorp Genetics (formerly Invitae), Labcorp
Classification: Uncertain significance. Last evaluated: 2023-03-04. Review status: criteria provided, single submitter. Criteria: Invitae Variant Classification Sherloc (09022015). Collection method: clinical testing. Allele origin: germline.
Comment: This sequence change replaces cysteine, which is neutral and slightly polar, with arginine, which is basic and polar, at codon 16 of the AHDC1 protein (p.Cys16Arg). This variant is not present in population databases (gnomAD no frequency). This variant has not been reported in the literature in individuals affected with AHDC1-related conditions. An algorithm developed to predict the effect of missense changes on protein structure and function (PolyPhen-2) suggests that this variant is likely to be disruptive. In summary, the available evidence is currently insufficient to determine the role of this variant in disease. Therefore, it has been classified as a Variant of Uncertain Significance.

NM_001371928.1(AHDC1):c.46T>C (p.Cys16Arg)

Gene: AHDC1 (AT-hook DNA binding motif containing 1; minus strand). Cytogenetic location: 1p36.11.
Variant type: single nucleotide variant.
Coding change: c.46T>C on transcript NM_001371928.1 (MANE Select); coding-DNA position 46, T replaced by C.
Protein change: p.Cys16Arg; replaces cysteine 16 with arginine.
Molecular consequence: missense variant.
Genome position (GRCh38, 1-based): chr1:27,552,070, A>G on the plus strand (T>C on the coding strand, the complement: AHDC1 is on the minus strand). VCF-style: chr1-27552070-A-G. GRCh37 (hg19) VCF-style: chr1-27878581-A-G.
Other names: c.46T>C, p.Cys16Arg (NM_001029882.3); short protein forms C16R.
Identifiers: ClinVar variation 2877290 (VCV002877290.7), dbSNP rs2522124281, ClinGen allele CA339238662.